The following is an entry in ClinVar:

NM_000256.3(MYBPC3):c.437C>T (p.Thr146Ile)

Gene: MYBPC3 (myosin binding protein C3; minus strand). Cytogenetic location: 11p11.2.
Variant type: single nucleotide variant.
Coding change: c.437C>T on transcript NM_000256.3 (MANE Select); coding-DNA position 437, C replaced by T.
Protein change: p.Thr146Ile; replaces threonine 146 with isoleucine.
Molecular consequence: missense variant.
Genome position (GRCh38, 1-based): chr11:47,350,082, G>A on the plus strand (C>T on the coding strand, the complement: MYBPC3 is on the minus strand). VCF-style: chr11-47350082-G-A. GRCh37 (hg19) VCF-style: chr11-47371633-G-A.
Other names: short protein forms T146I.
Identifiers: ClinVar variation 918905 (VCV000918905.9), dbSNP rs780458215, ClinGen allele CA055388.

ClinVar aggregate classification (germline): Conflicting classifications of pathogenicity. Review status: criteria provided, conflicting classifications (1 of 4 stars). 4 submissions from 4 submitters: Uncertain significance (3); Likely benign (1). Last evaluated 2025-12-14.

Conditions:
Cardiomyopathy (CMYO). Also called: Cardiomyopathies. Identifiers: Orphanet 167848, MedGen C0878544, MONDO:0004994, HP:0001638. Inheritance: Various modes of inheritance.
Hypertrophic cardiomyopathy. Also called: HYPERTROPHIC MYOCARDIOPATHY. Identifiers: Orphanet 217569, MedGen C0007194, MeSH D002312, MONDO:0005045, HP:0001639.

Allele frequency attached by ClinVar (database versions not stated): gnomAD exomes 0.00003; ExAC 0.00008.
gnomAD v4.1: 10 of 1,560,426 alleles (0.00064%); highest among the groups gnomAD compares: South Asian, 0.0095%; no homozygotes.

Submissions (4):

Labcorp Genetics (formerly Invitae), Labcorp
Classification: Uncertain significance for Hypertrophic cardiomyopathy. Last evaluated: 2025-12-14. Review status: criteria provided, single submitter. Criteria: Invitae Variant Classification Sherloc (09022015). Collection method: clinical testing. Allele origin: germline.
Comment: This sequence change replaces threonine, which is neutral and polar, with isoleucine, which is neutral and non-polar, at codon 146 of the MYBPC3 protein (p.Thr146Ile). The frequency data for this variant in the population databases is considered unreliable, as metrics indicate poor data quality at this position in the gnomAD database. This variant has not been reported in the literature in individuals affected with MYBPC3-related conditions. ClinVar contains an entry for this variant (Variation ID: 918905). An algorithm developed to predict the effect of missense changes on protein structure and function (PolyPhen-2) suggests that this variant is likely to be tolerated. In summary, the available evidence is currently insufficient to determine the role of this variant in disease. Therefore, it has been classified as a Variant of Uncertain Significance.

Color Diagnostics, LLC DBA Color Health
Classification: Likely benign for Cardiomyopathy. Last evaluated: 2025-06-09. Review status: criteria provided, single submitter. Criteria: ACMG Guidelines, 2015. Collection method: clinical testing. Allele origin: germline.

Blueprint Genetics
Classification: Uncertain significance. Last evaluated: 2024-05-22. Review status: criteria provided, single submitter. Criteria: ACMG Guidelines, 2015. Collection method: clinical testing. Allele origin: germline.

All of Us Research Program, National Institutes of Health
Classification: Uncertain significance for Hypertrophic cardiomyopathy. Last evaluated: 2024-01-11. Review status: criteria provided, single submitter. Criteria: ACMG Guidelines, 2015. Collection method: clinical testing. Allele origin: germline. Inheritance: Autosomal dominant inheritance. Observed: 1 variant allele, 1 heterozygote.
Comment: This missense variant replaces threonine with isoleucine at codon 146 of the MYBPC3 protein. Computational prediction suggests that this variant may not impact protein structure and function (internally defined REVEL score threshold <= 0.5, PMID: 27666373). Splice site prediction tools suggest that this variant may not impact RNA splicing. To our knowledge, functional studies have not been performed for this variant. This variant has not been reported in individuals affected with cardiovascular disorders in the literature. This variant has been identified in 5/167712 chromosomes in the general population by the Genome Aggregation Database (gnomAD). The available evidence is insufficient to determine the role of this variant in disease conclusively. Therefore, this variant is classified as a Variant of Uncertain Significance.

This study involves interpretation of variants in research participants for the purpose of population health screening. Participant phenotype was not available at the time of variant classification. Additional details can be found in publication PMID: 35346344, PMCID: PMC8962531